The following is an entry in ClinVar:

ClinVar aggregate classification (germline): Benign (0 of 4 stars; one submission).

Conditions:
PADI4-related disorder. Also called: PADI4-related condition.

Allele frequency attached by ClinVar (database versions not stated): gnomAD exomes 0.00042; ExAC 0.00123; ESP Exome Variant Server 0.00392; gnomAD 0.00429; 1000 Genomes Project 30x 0.00468; TOPMed 0.00498; 1000 Genomes Project 0.00559.
gnomAD v4.1: 1,300 of 1,614,058 alleles (0.081%); highest among the groups gnomAD compares: African/African-American, 1.5%; 11 homozygotes.

Submission:

PreventionGenetics, part of Exact Sciences
Classification: Benign for PADI4-related condition. Last evaluated: 2019-06-05. Review status: no assertion criteria provided. Collection method: clinical testing. Allele origin: germline.
Comment: This variant is classified as benign based on ACMG/AMP sequence variant interpretation guidelines (Richards et al. 2015 PMID: 25741868, with internal and published modifications).

NM_012387.3(PADI4):c.878T>C (p.Val293Ala)

Gene: PADI4 (peptidyl arginine deiminase 4; plus strand). Cytogenetic location: 1p36.13.
Variant type: single nucleotide variant.
Coding change: c.878T>C on transcript NM_012387.3 (MANE Select); coding-DNA position 878, T replaced by C.
Protein change: p.Val293Ala; replaces valine 293 with alanine.
Molecular consequence: missense variant.
Genome position (GRCh38, 1-based): chr1:17,342,345, T>C. VCF-style: chr1-17342345-T-C. GRCh37 (hg19) VCF-style: chr1-17668840-T-C.
Other names: short protein forms V293A.
Identifiers: ClinVar variation 3043818 (VCV003043818.2), dbSNP rs113714693, ClinGen allele CA640697.